The following is an entry in ClinVar:

NM_001846.4(COL4A2):c.1978+1G>A

Gene: COL4A2 (collagen type IV alpha 2 chain; plus strand). Cytogenetic location: 13q34.
Variant type: single nucleotide variant.
Coding change: c.1978+1G>A on transcript NM_001846.4 (MANE Select); the canonical splice donor site of the intron after coding-DNA position 1978, G replaced by A.
Molecular consequence: splice donor variant.
Genome position (GRCh38, 1-based): chr13:110,465,607, G>A. VCF-style: chr13-110465607-G-A. GRCh37 (hg19) VCF-style: chr13-111117954-G-A.
Identifiers: ClinVar variation 4538796 (VCV004538796.1).

ClinVar aggregate classification (germline): Uncertain significance (1 of 4 stars; one submission).

Submission:

GeneDx
Classification: Uncertain significance. Last evaluated: 2025-06-13. Review status: criteria provided, single submitter. Criteria: GeneDx Variant Classification Process June 2021. Collection method: clinical testing. Allele origin: germline. Affected: yes.
Comment: Not observed at significant frequency in large population cohorts (gnomAD); Canonical splice site variant in a gene or region of a gene for which loss of function is not a well-established mechanism of disease; Has not been previously published as pathogenic or benign to our knowledge